The following is an entry in ClinVar:

NM_018297.4(NGLY1):c.1508G>A (p.Arg503His)

Gene: NGLY1 (N-glycanase 1; minus strand). Cytogenetic location: 3p24.2.
Variant type: single nucleotide variant.
Coding change: c.1508G>A on transcript NM_018297.4 (MANE Select); coding-DNA position 1508, G replaced by A.
Protein change: p.Arg503His; replaces arginine 503 with histidine.
Molecular consequence: missense variant.
Genome position (GRCh38, 1-based): chr3:25,729,236, C>T on the plus strand (G>A on the coding strand, the complement: NGLY1 is on the minus strand). VCF-style: chr3-25729236-C-T. GRCh37 (hg19) VCF-style: chr3-25770727-C-T.
Other names: c.1454G>A, p.Arg485His (NM_001145293.2); c.1382G>A, p.Arg461His (NM_001145294.2); c.1508G>A, p.Arg503His (NM_001145295.2); short protein forms R503H, R461H, R485H.
Identifiers: ClinVar variation 541259 (VCV000541259.38), dbSNP rs139134926, ClinGen allele CA2289136.
Genomic context (GRCh38, chr3:25,729,236, plus strand): 5'-TTCCACACGCCATTCTCCCATCCAGAAATGGTTTGATTGTTATTTGAAACTCGAACATAA[C>T]GATCTTTCACAATATTGTAACAAAGGTGGAGCTGTTTAGAAATCTTCTCATTTTCACAGG-3'
Protein context (NP_060767.2, residues 493-513): LHLCYNIVKD[Arg503His]YVRVSNNNQT

ClinVar aggregate classification (germline): Likely benign. Review status: criteria provided, multiple submitters, no conflicts (2 of 4 stars). 4 submissions from 4 submitters: Likely benign (4). Last evaluated 2026-01-25.

Conditions:
Congenital disorder of deglycosylation (CDDG). Identifiers: MedGen C3808991, MONDO:0031376.

Allele frequency attached by ClinVar (database versions not stated): gnomAD exomes 0.00013 and 0.00031; ExAC 0.00051; 1000 Genomes Project 0.00120; gnomAD 0.00139 and 0.00150; 1000 Genomes Project 30x 0.00156; TOPMed 0.00159; ESP Exome Variant Server 0.00238.
gnomAD v4.1: 414 of 1,554,868 alleles (0.027%); highest among the groups gnomAD compares: African/African-American, 0.49%; 1 homozygote.

Submissions (4):

Labcorp Genetics (formerly Invitae), Labcorp
Classification: Likely benign for Congenital disorder of deglycosylation. Last evaluated: 2026-01-25. Review status: criteria provided, single submitter. Criteria: Invitae Variant Classification Sherloc (09022015). Collection method: clinical testing. Allele origin: germline.

CeGaT Center for Human Genetics Tuebingen
Classification: Likely benign. Last evaluated: 2023-11-01. Review status: criteria provided, single submitter. Criteria: CeGaT Center For Human Genetics Tuebingen Variant Classification Criteria Version 2. Collection method: clinical testing. Allele origin: germline. Affected: yes. Observed: 1 variant allele.
Comment: NGLY1: BP4

GeneDx
Classification: Likely benign. Last evaluated: 2021-02-22. Review status: criteria provided, single submitter. Criteria: GeneDx Variant Classification Process June 2021. Collection method: clinical testing. Allele origin: germline. Affected: yes.
Comment: This variant is associated with the following publications: (PMID: 25344691)

Breakthrough Genomics
Classification: Likely benign. Review status: criteria provided, single submitter. Criteria: ACMG Guidelines, 2015. Collection method: not provided. Allele origin: germline. Inheritance: Autosomal recessive inheritance. Affected: yes.